The following is an entry in ClinVar:

ClinVar aggregate classification (germline): Uncertain significance. Review status: criteria provided, multiple submitters, no conflicts (2 of 4 stars). 2 submissions from 2 submitters: Uncertain significance (2). Last evaluated 2026-03-20.

Conditions:
Cardiovascular phenotype. Identifiers: MedGen CN230736.
APOE-related disorder. Also called: APOE-related condition.

gnomAD v4.1: 68 of 1,599,276 alleles (0.0043%); highest among the groups gnomAD compares: Non-Finnish European, 0.0048%; no homozygotes.

Submissions (2):

PreventionGenetics, part of Exact Sciences
Classification: Uncertain significance for APOE-related condition. Last evaluated: 2026-03-20. Review status: criteria provided, single submitter. Criteria: ACMG Guidelines, 2015. Collection method: clinical testing. Allele origin: germline.
Comment: The APOE c.886G>T variant is predicted to result in the amino acid substitution p.Gly296Trp. To our knowledge, this variant has not been reported in the literature. This variant is reported in 0.0074% of alleles in individuals of African descent in gnomAD. At this time, the clinical significance of this variant is uncertain due to the absence of conclusive functional and genetic evidence.

Ambry Genetics
Classification: Uncertain significance for Cardiovascular phenotype. Last evaluated: 2025-08-12. Review status: criteria provided, single submitter. Criteria: Ambry Variant Classification Scheme 2023. Collection method: clinical testing. Allele origin: germline.
Comment: The p.G296W variant (also known as c.886G>T), located in coding exon 3 of the APOE gene, results from a G to T substitution at nucleotide position 886. The glycine at codon 296 is replaced by tryptophan, an amino acid with highly dissimilar properties. This amino acid position is poorly conserved in available vertebrate species. In addition, this alteration is predicted to be tolerated by in silico analysis. Based on the available evidence, the clinical significance of this variant remains unclear.

NM_000041.4(APOE):c.886G>T (p.Gly296Trp)

Gene: APOE (apolipoprotein E; plus strand). Cytogenetic location: 19q13.32.
Variant type: single nucleotide variant.
Coding change: c.886G>T on transcript NM_000041.4 (MANE Select); coding-DNA position 886, G replaced by T.
Protein change: p.Gly296Trp; replaces glycine 296 with tryptophan.
Molecular consequence: missense variant.
Genome position (GRCh38, 1-based): chr19:44,909,182, G>T. VCF-style: chr19-44909182-G-T. GRCh37 (hg19) VCF-style: chr19-45412439-G-T.
Other names: c.964G>T, p.Gly322Trp (NM_001302688.2); c.886G>T, p.Gly296Trp (NM_001302689.2, NM_001302690.2, NM_001302691.2); c.886G>T (NM_000041.2); short protein forms G296W, G322W.
Identifiers: ClinVar variation 3352089 (VCV003352089.3).